The following is an entry in ClinVar:

NM_000219.6(KCNE1):c.48G>T (p.Leu16=)

Gene: KCNE1 (potassium voltage-gated channel subfamily E regulatory subunit 1; minus strand). Cytogenetic location: 21q22.12.
Variant type: single nucleotide variant.
Coding change: c.48G>T on transcript NM_000219.6 (MANE Select); coding-DNA position 48, G replaced by T.
Protein change: p.Leu16=; no amino-acid change (leucine 16 retained).
Molecular consequence: synonymous variant.
Genome position (GRCh38, 1-based): chr21:34,449,587, C>A on the plus strand (G>T on the coding strand, the complement: KCNE1 is on the minus strand). VCF-style: chr21-34449587-C-A. GRCh37 (hg19) VCF-style: chr21-35821885-C-A.
Other names: c.48G>T, p.Leu16= (NM_001127668.4, NM_001127669.4, NM_001127670.4 and 4 more transcripts).
Identifiers: ClinVar variation 3373906 (VCV003373906.2).

Conditions:
Long QT syndrome 5 (LQT5). Identifiers: Orphanet 101016, Orphanet 768, MedGen C1867904, MONDO:0013372, OMIM 613695.

Submission:

Roden Lab, Vanderbilt University Medical Center
No classification provided (evidence only). Condition: Long QT syndrome 5. Review status: no classification provided. Collection method: in vitro. Allele origin: not applicable. Functional consequence: Effect on ion channel function.
ClinVar note: "not provided" was previously submitted as the classification for the variant. However, the classification appeared to be based only on an observation of functional data so it was converted to no classification on 2025-07-30.